The following is an entry in ClinVar:

NM_147686.4(TRAF3IP2):c.440C>T (p.Ala147Val)

Genes: TRAF3IP2 (TRAF3 interacting protein 2; minus strand), TRAF3IP2-AS1 (TRAF3IP2 antisense RNA 1; plus strand), LOC114803478 (TRAF3IP2 eExon liver enhancer; plus strand). Cytogenetic location: 6q21.
Variant type: single nucleotide variant.
Coding change: c.440C>T on transcript NM_147686.4 (MANE Select); coding-DNA position 440, C replaced by T.
Protein change: p.Ala147Val; replaces alanine 147 with valine.
Molecular consequence: missense variant.
Genome position (GRCh38, 1-based): chr6:111,591,647, G>A on the plus strand (C>T on the coding strand, the complement: TRAF3IP2 is on the minus strand). VCF-style: chr6-111591647-G-A. GRCh37 (hg19) VCF-style: chr6-111912850-G-A.
Other names: c.440C>T, p.Ala147Val (NM_001164281.3); c.467C>T, p.Ala156Val (NM_147200.3); short protein forms A156V, A147V.
Identifiers: ClinVar variation 2063090 (VCV002063090.4), dbSNP rs141508826, ClinGen allele CA3963326.

ClinVar aggregate classification (germline): Uncertain significance. Review status: criteria provided, multiple submitters, no conflicts (2 of 4 stars). 3 submissions from 3 submitters: Uncertain significance (3). Last evaluated 2025-05-30.

Conditions:
Candidiasis, familial, 8 (CANDF8). Identifiers: Orphanet 1334, MedGen C3714992, MONDO:0014230, OMIM 615527.

Allele frequency attached by ClinVar (database versions not stated): 1000 Genomes Project 30x 0.00016; gnomAD 0.00001; TOPMed 0.00001; 1000 Genomes Project 0.00020; gnomAD exomes 0.00004; ExAC 0.00007.
gnomAD v4.1: 61 of 1,614,238 alleles (0.0038%); highest among the groups gnomAD compares: East Asian, 0.089%; no homozygotes.

Submissions (3):

3billion
Classification: Uncertain significance for Candidiasis, familial, 8. Last evaluated: 2025-05-30. Review status: criteria provided, single submitter. Criteria: ACMG Guidelines, 2015. Collection method: clinical testing. Allele origin: germline. Affected: yes.
Comment: The variant is observed at an extremely low frequency in the gnomAD v4.1.0 dataset (total allele frequency: 0.004%). Predicted Consequence/Location: Missense variant. The majority of the known disease-causing variants of this gene are variants expected to result in premature termination of the protein. In silico tool predictions suggest no damaging effect of the variant on gene or gene product [REVEL: 0.20 (<0.4); 3Cnet: 0.00 (<0.1, specificity 0.84 and negative predicitive value 0.97)]. The variant is in trans with the other variant. Therefore, this variant is classified as VUS according to the recommendation of ACMG/AMP guideline.

Ambry Genetics
Classification: Uncertain significance. Last evaluated: 2023-03-22. Review status: criteria provided, single submitter. Criteria: Ambry Variant Classification Scheme 2023. Collection method: clinical testing. Allele origin: germline.

Labcorp Genetics (formerly Invitae), Labcorp
Classification: Uncertain significance for Candidiasis, familial, 8. Last evaluated: 2022-02-03. Review status: criteria provided, single submitter. Criteria: Invitae Variant Classification Sherloc (09022015). Collection method: clinical testing. Allele origin: germline.
Comment: This sequence change replaces alanine, which is neutral and non-polar, with valine, which is neutral and non-polar, at codon 147 of the TRAF3IP2 protein (p.Ala147Val). This variant is present in population databases (rs141508826, gnomAD 0.02%). This variant has not been reported in the literature in individuals affected with TRAF3IP2-related conditions. Algorithms developed to predict the effect of missense changes on protein structure and function are either unavailable or do not agree on the potential impact of this missense change (SIFT: "Deleterious"; PolyPhen-2: "Probably Damaging"; Align-GVGD: "Class C0"). In summary, the available evidence is currently insufficient to determine the role of this variant in disease. Therefore, it has been classified as a Variant of Uncertain Significance.